The following is an entry in ClinVar:

NM_000238.4(KCNH2):c.2855C>T (p.Pro952Leu)

Gene: KCNH2 (potassium voltage-gated channel subfamily H member 2; minus strand). Cytogenetic location: 7q36.1.
Variant type: single nucleotide variant.
Coding change: c.2855C>T on transcript NM_000238.4 (MANE Select); coding-DNA position 2855, C replaced by T.
Protein change: p.Pro952Leu; replaces proline 952 with leucine.
Molecular consequence: missense variant.
Genome position (GRCh38, 1-based): chr7:150,947,716, G>A on the plus strand (C>T on the coding strand, the complement: KCNH2 is on the minus strand). VCF-style: chr7-150947716-G-A. GRCh37 (hg19) VCF-style: chr7-150644804-G-A.
Other names: c.1835C>T, p.Pro612Leu (NM_172057.3); short protein forms P952L, P612L.
Identifiers: ClinVar variation 862901 (VCV000862901.9), dbSNP rs765920319, ClinGen allele CA369853258.

ClinVar aggregate classification (germline): Uncertain significance (1 of 4 stars; one submission).

Conditions:
Long QT syndrome (LQTS). Identifiers: MedGen C0023976, MeSH D008133, MONDO:0002442. Disease mechanism: loss of function. Inheritance: Various modes of inheritance.

Submission:

Labcorp Genetics (formerly Invitae), Labcorp
Classification: Uncertain significance for Long QT syndrome. Last evaluated: 2022-01-13. Review status: criteria provided, single submitter. Criteria: Invitae Variant Classification Sherloc (09022015). Collection method: clinical testing. Allele origin: germline.
Comment: ClinVar contains an entry for this variant (Variation ID: 862901). Algorithms developed to predict the effect of missense changes on protein structure and function (SIFT, PolyPhen-2, Align-GVGD) all suggest that this variant is likely to be tolerated. In summary, the available evidence is currently insufficient to determine the role of this variant in disease. Therefore, it has been classified as a Variant of Uncertain Significance. This variant has not been reported in the literature in individuals affected with KCNH2-related conditions. This sequence change replaces proline, which is neutral and non-polar, with leucine, which is neutral and non-polar, at codon 952 of the KCNH2 protein (p.Pro952Leu). This variant is not present in population databases (gnomAD no frequency).